The following is an entry in ClinVar:

NM_000414.4(HSD17B4):c.1704T>A (p.Tyr568Ter)

Gene: HSD17B4 (hydroxysteroid 17-beta dehydrogenase 4; plus strand). Cytogenetic location: 5q23.1.
Variant type: single nucleotide variant.
Coding change: c.1704T>A on transcript NM_000414.4 (MANE Select); coding-DNA position 1704, T replaced by A.
Protein change: p.Tyr568Ter; replaces tyrosine 568 with a stop codon.
Molecular consequence: nonsense.
Genome position (GRCh38, 1-based): chr5:119,527,156, T>A. VCF-style: chr5-119527156-T-A. GRCh37 (hg19) VCF-style: chr5-118862851-T-A.
Other names: c.1779T>A, p.Tyr593Ter (NM_001199291.3); c.1650T>A, p.Tyr550Ter (NM_001199292.2); c.1632T>A, p.Tyr544Ter (NM_001292027.2); c.1284T>A, p.Tyr428Ter (NM_001292028.2); short protein forms Y428*, Y544*, Y593*, Y550*, Y568*.
Identifiers: ClinVar variation 655256 (VCV000655256.22), dbSNP rs1038744864, ClinGen allele CA125855311.

ClinVar aggregate classification (germline): Pathogenic/Likely pathogenic. Review status: criteria provided, multiple submitters, no conflicts (2 of 4 stars). 10 submissions from 10 submitters: Pathogenic (6); Likely pathogenic (2). 2 of the submissions do not count toward it. Last evaluated 2025-12-15.

Conditions:
HSD17B4-related disorder. Also called: HSD17B4-related disorders; HSD17B4-related condition.
Perrault syndrome. Also called: Gonadal dysgenesis with auditory dysfunction, autosomal recessive inheritance. Identifiers: Orphanet 2855, MedGen C0685838, MONDO:0017312.
Bifunctional peroxisomal enzyme deficiency (DBIF). Also called: DBP DEFICIENCY; D-bifunctional protein deficiency; PBFE DEFICIENCY. Identifiers: Orphanet 300, MedGen C0342870, MONDO:0009855, OMIM 261515. Disease mechanism: loss of function.
Perrault syndrome 1 (PRLTS1). Also called: GONADAL DYSGENESIS, XX TYPE, WITH DEAFNESS; OVARIAN DYSGENESIS WITH SENSORINEURAL DEAFNESS. Identifiers: Orphanet 2855, Orphanet 642945, MedGen C4551721, MONDO:0009300, OMIM 233400.

Allele frequency attached by ClinVar (database versions not stated): gnomAD 0.00001; gnomAD exomes 0.00001 and 0.00002; TOPMed 0.00002.
gnomAD v4.1: 27 of 1,605,676 alleles (0.0017%); highest among the groups gnomAD compares: Non-Finnish European, 0.0021%; no homozygotes.

Submissions (10):

Natera, Inc.
Classification: Likely pathogenic for Bifunctional peroxisomal enzyme deficiency. Last evaluated: 2025-12-15. Review status: criteria provided, single submitter. Criteria: Natera Variant Classification Schema (03/2026). Collection method: clinical testing. Allele origin: germline.
Comment: The c.1704T>A variant in HSD17B4 is a nonsense variant predicted to introduce a stop codon at amino acid 568. This variant is expected to result in nonsense mediated decay, truncation, or a dysfunctional protein product. This variant is rare in the general population with a frequency below the threshold expected for the associated phenotype(s). Given the available evidence, this variant is classified as Likely Pathogenic.

Labcorp Genetics (formerly Invitae), Labcorp
Classification: Pathogenic for Perrault syndrome; Bifunctional peroxisomal enzyme deficiency. Last evaluated: 2025-08-23. Review status: criteria provided, single submitter. Criteria: Invitae Variant Classification Sherloc (09022015). Collection method: clinical testing. Allele origin: germline.
Comment: This sequence change creates a premature translational stop signal (p.Tyr568*) in the HSD17B4 gene. It is expected to result in an absent or disrupted protein product. Loss-of-function variants in HSD17B4 are known to be pathogenic (PMID: 11810648, 16385454, 20673864). This variant is present in population databases (no rsID available, gnomAD 0.002%). This premature translational stop signal has been observed in individual(s) with Perrault syndrome (PMID: 20673864). ClinVar contains an entry for this variant (Variation ID: 655256). For these reasons, this variant has been classified as Pathogenic.

Fulgent Genetics
Classification: Pathogenic for Perrault syndrome 1; Bifunctional peroxisomal enzyme deficiency. Last evaluated: 2024-05-29. Review status: criteria provided, single submitter. Criteria: ACMG Guidelines, 2015. Collection method: clinical testing. Allele origin: germline.

GeneDx
Classification: Pathogenic. Last evaluated: 2023-10-15. Review status: criteria provided, single submitter. Criteria: GeneDx Variant Classification Process June 2021. Collection method: clinical testing. Allele origin: germline. Affected: yes.
Comment: Nonsense variant predicted to result in protein truncation or nonsense mediated decay in a gene for which loss-of-function is a known mechanism of disease; Not observed at a significant frequency in large population cohorts (gnomAD); This variant is associated with the following publications: (PMID: 31455392, 28830375, 28017249, 27790638, 26243799, 22037954, 27650058, 20673864)

Baylor Genetics
Classification: Pathogenic for Bifunctional peroxisomal enzyme deficiency. Last evaluated: 2023-10-02. Review status: criteria provided, single submitter. Criteria: ACMG Guidelines, 2015. Collection method: clinical testing. Allele origin: unknown.

Revvity Omics, Revvity
Classification: Pathogenic. Last evaluated: 2021-12-08. Review status: criteria provided, single submitter. Criteria: ACMG Guidelines, 2015. Collection method: clinical testing. Allele origin: germline.

Women's Health and Genetics/Laboratory Corporation of America, LabCorp
Classification: Pathogenic for Bifunctional peroxisomal enzyme deficiency. Last evaluated: 2020-09-17. Review status: criteria provided, single submitter. Criteria: LabCorp Variant Classification Summary - May 2015. Collection method: clinical testing. Allele origin: germline.
Comment: Variant summary: HSD17B4 c.1704T>A (p.Tyr568X) results in a premature termination codon, predicted to cause a truncation of the encoded protein or absence of the protein due to nonsense mediated decay, which are commonly known mechanisms for disease. Truncations downstream of this position have been classified as pathogenic by our laboratory. The variant allele was found at a frequency of 8e-06 in 250998 control chromosomes (gnomAD). c.1704T>A has been reported in the literature in individuals affected with Perrault syndrome (Pierce_2010). These data indicate that the variant may be associated with disease. To our knowledge, no experimental evidence demonstrating an impact on protein function has been reported. One ClinVar submitter (evaluation after 2014) cites the variant as pathogenic. Based on the evidence outlined above, the variant was classified as pathogenic.

Blueprint Genetics
Classification: Likely pathogenic for HSD17B4-related disorders. Last evaluated: 2018-11-29. Review status: criteria provided, single submitter. Criteria: ACMG Guidelines, 2015. Collection method: clinical testing. Allele origin: germline. Affected: yes. Observed: 1 variant allele.

OMIM
Classification: Pathogenic for PERRAULT SYNDROME 1. Last evaluated: 2010-08-13. Review status: no assertion criteria provided. Collection method: literature only. Allele origin: germline. Not counted in ClinVar's aggregate classification.

GeneReviews
No classification provided. Condition: Perrault syndrome. Review status: no classification provided. Collection method: literature only. Allele origin: germline. Not counted in ClinVar's aggregate classification.

Literature cited by the submitters: PubMed 11810648 (cited by Labcorp Genetics (formerly Invitae), Labcorp); PubMed 16385454 (cited by Labcorp Genetics (formerly Invitae), Labcorp); PubMed 20673864 (cited by 4 submitters); PubMed 27790638 (cited by Women's Health and Genetics/Laboratory Corporation of America, LabCorp); PubMed 28830375 (cited by Women's Health and Genetics/Laboratory Corporation of America, LabCorp); PubMed 31455392 (cited by Women's Health and Genetics/Laboratory Corporation of America, LabCorp); PubMed 28017249 (cited by Women's Health and Genetics/Laboratory Corporation of America, LabCorp); PubMed 26243799 (cited by Women's Health and Genetics/Laboratory Corporation of America, LabCorp).